The following is an entry in ClinVar:

ClinVar aggregate classification (germline): Uncertain significance (1 of 4 stars; one submission).

Conditions:
Cardiovascular phenotype. Identifiers: MedGen CN230736.

gnomAD v4.1: 1 of 1,613,482 alleles (0.000062%); highest among the groups gnomAD compares: African/African-American, 0.0013%; no homozygotes.

Submission:

Ambry Genetics
Classification: Uncertain significance for Cardiovascular phenotype. Last evaluated: 2020-03-03. Review status: criteria provided, single submitter. Criteria: Ambry Variant Classification Scheme 2023. Collection method: clinical testing. Allele origin: germline.
Comment: The p.G15925R variant (also known as c.47773G>C), located in coding exon 153 of the TTN gene, results from a G to C substitution at nucleotide position 47773. The glycine at codon 15925 is replaced by arginine, an amino acid with dissimilar properties. This amino acid position is highly conserved in available vertebrate species. In addition, the in silico prediction for this alteration is inconclusive. Since supporting evidence is limited at this time, the clinical significance of this alteration remains unclear.

NM_001267550.2(TTN):c.74968G>C (p.Gly24990Arg)

Genes: TTN (titin; minus strand), TTN-AS1 (TTN antisense RNA 1; plus strand). Cytogenetic location: 2q31.2.
Variant type: single nucleotide variant.
Coding change: c.74968G>C on transcript NM_001267550.2 (MANE Select); coding-DNA position 74968, G replaced by C.
Protein change: p.Gly24990Arg; replaces glycine 24990 with arginine.
Molecular consequence: missense variant.
Genome position (GRCh38, 1-based): chr2:178,571,164, C>G on the plus strand (G>C on the coding strand, the complement: TTN is on the minus strand). VCF-style: chr2-178571164-C-G. GRCh37 (hg19) VCF-style: chr2-179435891-C-G.
Other names: c.70045G>C, p.Gly23349Arg (NM_001256850.1); c.47773G>C, p.Gly15925Arg (NM_003319.4); c.67264G>C, p.Gly22422Arg (NM_133378.4); c.48148G>C, p.Gly16050Arg (NM_133432.3); c.48349G>C, p.Gly16117Arg (NM_133437.4); short protein forms G23349R, G16050R, G16117R, G22422R, G24990R, G15925R.
Identifiers: ClinVar variation 1742999 (VCV001742999.2), dbSNP rs727503561, ClinGen allele CA349629910.